The following is an entry in ClinVar:

NM_000142.5(FGFR3):c.-102-18_-102-11del

Gene: FGFR3 (fibroblast growth factor receptor 3; plus strand). Cytogenetic location: 4p16.3.
Variant type: Deletion.
Coding change: c.-102-18_-102-11del on transcript NM_000142.5 (MANE Select); 18 bases into the intron before 102 bases upstream of the start codon through 11 bases into the intron before 102 bases upstream of the start codon, 8 bases deleted (GCCTTCCT; older notation c.-102-18_-102-11delGCCTTCCT).
Molecular consequence: intron variant.
Genome position (GRCh38, 1-based): chr4:1,793,815-1,793,822, GCCTTCCT deleted; deleting any 8 consecutive bases within chr4:1,793,813-1,793,822 gives the same sequence; the c. name uses the placement nearest the transcript's 3' end. VCF-style (leftmost placement, unchanged base first): chr4-1793812-GCTGCCTTC-G. GRCh37 (hg19) VCF-style: chr4-1795539-GCTGCCTTC-G.
Other names: c.-102-18_-102-11del (NM_001163213.2, NM_001354809.2, NM_001354810.2 and 1 more transcripts).
Identifiers: ClinVar variation 1229898 (VCV001229898.17), dbSNP rs1452696194, ClinGen allele CA437966154.

ClinVar aggregate classification (germline): Benign/Likely benign. Review status: criteria provided, multiple submitters, no conflicts (2 of 4 stars). 2 submissions from 2 submitters: Benign (1); Likely benign (1). Last evaluated 2026-08-01.

Submissions (2):

CeGaT Center for Human Genetics Tuebingen
Classification: Likely benign. Last evaluated: 2026-08-01. Review status: criteria provided, single submitter. Criteria: CeGaT Center For Human Genetics Tuebingen Variant Classification Criteria Version 2. Collection method: clinical testing. Allele origin: germline. Affected: yes. Observed: 17 variant alleles.
Comment: FGFR3: BS2

GeneDx
Classification: Benign. Last evaluated: 2017-11-13. Review status: criteria provided, single submitter. Criteria: GeneDx Variant Classification Process June 2021. Collection method: clinical testing. Allele origin: germline. Affected: yes.